The following is an entry in ClinVar:

ClinVar aggregate classification (germline): Uncertain significance. Review status: criteria provided, multiple submitters, no conflicts (2 of 4 stars). 3 submissions from 3 submitters: Uncertain significance (3). Last evaluated 2025-11-27.

Conditions:
Inborn genetic diseases. Identifiers: MedGen C0950123, MeSH D030342.

Allele frequency attached by ClinVar (database versions not stated): gnomAD 0.00001; TOPMed 0.00002; ExAC 0.00003.
gnomAD v4.1: 14 of 1,613,782 alleles (0.00087%); highest among the groups gnomAD compares: Admixed American, 0.023%; no homozygotes.

Submissions (3):

Labcorp Genetics (formerly Invitae), Labcorp
Classification: Uncertain significance. Last evaluated: 2025-11-27. Review status: criteria provided, single submitter. Criteria: Invitae Variant Classification Sherloc (09022015). Collection method: clinical testing. Allele origin: germline.
Comment: This sequence change replaces arginine, which is basic and polar, with isoleucine, which is neutral and non-polar, at codon 304 of the ANKRD26 protein (p.Arg304Ile). This variant is present in population databases (rs753321987, gnomAD 0.04%). This variant has not been reported in the literature in individuals affected with ANKRD26-related conditions. ClinVar contains an entry for this variant (Variation ID: 2714823). An algorithm developed to predict the effect of missense changes on protein structure and function (PolyPhen-2) suggests that this variant is likely to be tolerated. In summary, the available evidence is currently insufficient to determine the role of this variant in disease. Therefore, it has been classified as a Variant of Uncertain Significance.

Ambry Genetics
Classification: Uncertain significance for Inborn genetic diseases. Last evaluated: 2024-11-18. Review status: criteria provided, single submitter. Criteria: Ambry Variant Classification Scheme 2023. Collection method: clinical testing. Allele origin: germline.
Comment: The p.R304I variant (also known as c.911G>T), located in coding exon 9 of the ANKRD26 gene, results from a G to T substitution at nucleotide position 911. The arginine at codon 304 is replaced by isoleucine, an amino acid with similar properties. This amino acid position is conserved. In addition, this alteration is predicted to be tolerated by in silico analysis. Based on the available evidence, the clinical significance of this variant remains unclear.

GeneDx
Classification: Uncertain significance. Last evaluated: 2024-03-05. Review status: criteria provided, single submitter. Criteria: GeneDx Variant Classification Process June 2021. Collection method: clinical testing. Allele origin: germline. Affected: yes.
Comment: In silico analysis supports that this missense variant has a deleterious effect on protein structure/function; Has not been previously published as pathogenic or benign to our knowledge

NM_014915.3(ANKRD26):c.911G>T (p.Arg304Ile)

Gene: ANKRD26 (ankyrin repeat domain 26; minus strand). Cytogenetic location: 10p12.1.
Variant type: single nucleotide variant.
Coding change: c.911G>T on transcript NM_014915.3 (MANE Select); coding-DNA position 911, G replaced by T.
Protein change: p.Arg304Ile; replaces arginine 304 with isoleucine.
Molecular consequence: missense variant.
Genome position (GRCh38, 1-based): chr10:27,077,504, C>A on the plus strand (G>T on the coding strand, the complement: ANKRD26 is on the minus strand). VCF-style: chr10-27077504-C-A. GRCh37 (hg19) VCF-style: chr10-27366433-C-A.
Other names: c.911G>T, p.Arg304Ile (NM_001256053.2); short protein forms R304I.
Identifiers: ClinVar variation 2714823 (VCV002714823.5), dbSNP rs753321987, ClinGen allele CA5448738.